The following is an entry in ClinVar:

NM_032229.3(SLITRK6):c.2414A>G (p.Tyr805Cys)

Gene: SLITRK6 (SLIT and NTRK like family member 6; minus strand). Cytogenetic location: 13q31.1.
Variant type: single nucleotide variant.
Coding change: c.2414A>G on transcript NM_032229.3 (MANE Select); coding-DNA position 2414, A replaced by G.
Protein change: p.Tyr805Cys; replaces tyrosine 805 with cysteine.
Molecular consequence: missense variant.
Genome position (GRCh38, 1-based): chr13:85,794,095, T>C on the plus strand (A>G on the coding strand, the complement: SLITRK6 is on the minus strand). VCF-style: chr13-85794095-T-C. GRCh37 (hg19) VCF-style: chr13-86368230-T-C.
Other names: short protein forms Y805C.
Identifiers: ClinVar variation 930019 (VCV000930019.4), dbSNP rs1874622846, ClinGen allele CA388372003.

ClinVar aggregate classification (germline): Uncertain significance (1 of 4 stars; one submission).

Allele frequency attached by ClinVar (database versions not stated): gnomAD exomes below 0.00001.
gnomAD v4.1: 1 of 1,613,102 alleles (0.000062%); highest among the groups gnomAD compares: Non-Finnish European, 0.000085%; no homozygotes.

Submission:

Laboratory for Molecular Medicine, Mass General Brigham Personalized Medicine
Classification: Uncertain significance. Last evaluated: 2019-08-14. Review status: criteria provided, single submitter. Criteria: LMM Criteria. Collection method: clinical testing. Allele origin: germline. Observed: 1 variant allele.
Comment: The p.Tyr805Cys variant in SLITRK6 has not been previously reported in individuals with hearing loss or myopia and was absent from large population studies. Computational prediction tools and conservation analysis suggest that this variant may impact the protein, though this information is not predictive enough to determine pathogenicity. In summary, the clinical significance of this variant is uncertain. ACMG/AMP Criteria applied: PM2, PP3.